The following is an entry in ClinVar:

NM_000093.5(COL5A1):c.3900C>T (p.Gly1300=)

Gene: COL5A1 (collagen type V alpha 1 chain; plus strand). Cytogenetic location: 9q34.3.
Variant type: single nucleotide variant.
Coding change: c.3900C>T on transcript NM_000093.5 (MANE Select); coding-DNA position 3900, C replaced by T.
Protein change: p.Gly1300=; no amino-acid change (glycine 1300 retained).
Molecular consequence: synonymous variant.
Genome position (GRCh38, 1-based): chr9:134,814,030, C>T. VCF-style: chr9-134814030-C-T. GRCh37 (hg19) VCF-style: chr9-137705876-C-T.
Other names: c.3900C>T, p.Gly1300= (NM_001278074.1).
Identifiers: ClinVar variation 392361 (VCV000392361.5), dbSNP rs879205988, ClinGen allele CA16605674.
Genomic context (GRCh38, chr9:134,814,030, plus strand): 5'-ACTGTCTCCCTAGGGCGAGCCTGGCGAAGCAGGTGAGCCTGGCCTTCCGGGAGAAGGCGG[C>T]CCCCCGGTGAGTGAGCGGGCGCTGCGGGAGGGGTGGGATATGGCCGAGCGGGTGTGTGGA-3'
Protein context (NP_000084.3, residues 1290-1310): AGEPGLPGEG[Gly1300=]PPGPKGERGE

ClinVar aggregate classification (germline): Likely benign. Review status: criteria provided, multiple submitters, no conflicts (2 of 4 stars). 3 submissions from 3 submitters: Likely benign (3). Last evaluated 2025-10-19.

Conditions:
Ehlers-Danlos syndrome, classic type, 1 (EDSCL1). Also called: EHLERS-DANLOS SYNDROME, GRAVIS TYPE; EHLERS-DANLOS SYNDROME, SEVERE CLASSIC TYPE; Ehlers-Danlos Syndrome, Classic Type, COL5A1-Related; EDS I; Ehlers-Danlos syndrome, type 1. Identifiers: MedGen C0268335, MONDO:0019567, OMIM 130000.
Familial thoracic aortic aneurysm and aortic dissection (TAAD). Also called: Thoracic aortic aneurysms and dissections. Identifiers: Orphanet 91387, MedGen C4707243, MONDO:0019625.

Allele frequency attached by ClinVar (database versions not stated): gnomAD exomes 0.00001 and below 0.00001; TOPMed below 0.00001.
gnomAD v4.1: 2 of 1,550,562 alleles (0.00013%); highest among the groups gnomAD compares: Non-Finnish European, 0.00017%; no homozygotes.

Submissions (3):

Labcorp Genetics (formerly Invitae), Labcorp
Classification: Likely benign for Ehlers-Danlos syndrome, classic type, 1. Last evaluated: 2025-10-19. Review status: criteria provided, single submitter. Criteria: Invitae Variant Classification Sherloc (09022015). Collection method: clinical testing. Allele origin: germline.

Ambry Genetics
Classification: Likely benign for Familial thoracic aortic aneurysm and aortic dissection. Last evaluated: 2023-10-08. Review status: criteria provided, single submitter. Criteria: Ambry Variant Classification Scheme 2023. Collection method: clinical testing. Allele origin: germline.

GeneDx
Classification: Likely benign. Last evaluated: 2016-12-30. Review status: criteria provided, single submitter. Criteria: GeneDx Variant Classification (06012015). Collection method: clinical testing. Allele origin: germline. Affected: yes.
Comment: This variant is considered likely benign or benign based on one or more of the following criteria: it is a conservative change, it occurs at a poorly conserved position in the protein, it is predicted to be benign by multiple in silico algorithms, and/or has population frequency not consistent with disease.